The following is an entry in ClinVar:

ClinVar aggregate classification (germline): Uncertain significance (1 of 4 stars; one submission).

Allele frequency attached by ClinVar (database versions not stated): gnomAD exomes below 0.00001 and 0.00001; TOPMed 0.00002; gnomAD 0.00003.
gnomAD v4.1: 21 of 1,613,908 alleles (0.0013%); highest among the groups gnomAD compares: African/African-American, 0.0053%; no homozygotes.

Submission:

Labcorp Genetics (formerly Invitae), Labcorp
Classification: Uncertain significance. Last evaluated: 2025-10-02. Review status: criteria provided, single submitter. Criteria: Invitae Variant Classification Sherloc (09022015). Collection method: clinical testing. Allele origin: germline.
Comment: This sequence change replaces arginine, which is basic and polar, with histidine, which is basic and polar, at codon 300 of the P4HB protein (p.Arg300His). This variant is present in population databases (no rsID available, gnomAD 0.008%). This variant has not been reported in the literature in individuals affected with P4HB-related conditions. ClinVar contains an entry for this variant (Variation ID: 1514503). Invitae Evidence Modeling of protein sequence and biophysical properties (such as structural, functional, and spatial information, amino acid conservation, physicochemical variation, residue mobility, and thermodynamic stability) indicates that this missense variant is not expected to disrupt P4HB protein function with a negative predictive value of 80%. In summary, the available evidence is currently insufficient to determine the role of this variant in disease. Therefore, it has been classified as a Variant of Uncertain Significance.

NM_000918.4(P4HB):c.899G>A (p.Arg300His)

Gene: P4HB (prolyl 4-hydroxylase subunit beta; minus strand). Cytogenetic location: 17q25.3.
Variant type: single nucleotide variant.
Coding change: c.899G>A on transcript NM_000918.4 (MANE Select); coding-DNA position 899, G replaced by A.
Protein change: p.Arg300His; replaces arginine 300 with histidine.
Molecular consequence: missense variant.
Genome position (GRCh38, 1-based): chr17:81,846,586, C>T on the plus strand (G>A on the coding strand, the complement: P4HB is on the minus strand). VCF-style: chr17-81846586-C-T. GRCh37 (hg19) VCF-style: chr17-79804462-C-T.
Other names: short protein forms R300H.
Identifiers: ClinVar variation 1514503 (VCV001514503.6), dbSNP rs919185627, ClinGen allele CA295118857.
Genomic context (GRCh38, chr17:81,846,586, plus strand): 5'-AGGGTGATGAGGCGCACGGCCGGGCACTCTTCCTTCTTCAGGCCAAAGAACTCGAGGATG[C>T]GCTGGTTGTCGGTGTGGTCGCTGTCGATGAAGATGAACAGGATCTGGGGGAGAAAAGGAG-3'
Protein context (NP_000909.2, residues 290-310): FIDSDHTDNQ[Arg300His]ILEFFGLKKE